The following is an entry in ClinVar:

ClinVar aggregate classification (germline): Benign/Likely benign. Review status: criteria provided, multiple submitters, no conflicts (2 of 4 stars). 3 submissions from 3 submitters: Benign (1); Likely benign (2). Last evaluated 2025-09-16.

Conditions:
Lung cancer. Also called: Lung cancer, somatic; Malignant tumor of lung. Identifiers: MedGen C0242379, MONDO:0008903, OMIM 211980.
Hereditary cancer-predisposing syndrome. Also called: Hereditary Cancer Syndrome; Neoplastic Syndromes, Hereditary; Tumor predisposition; Hereditary neoplastic syndrome. Identifiers: Orphanet 140162, MedGen C0027672, MeSH D009386, MONDO:0015356.
EGFR-related lung cancer (EGFR). Identifiers: MedGen CN130014.

Allele frequency attached by ClinVar (database versions not stated): gnomAD exomes below 0.00001; ExAC 0.00001.
gnomAD v4.1: 1 of 1,614,222 alleles (0.000062%); highest among the groups gnomAD compares: South Asian, 0.0011%; no homozygotes.

Submissions (3):

Labcorp Genetics (formerly Invitae), Labcorp
Classification: Likely benign for EGFR-related lung cancer. Last evaluated: 2025-09-16. Review status: criteria provided, single submitter. Criteria: Invitae Variant Classification Sherloc (09022015). Collection method: clinical testing. Allele origin: germline.

Ambry Genetics
Classification: Likely benign for Hereditary cancer-predisposing syndrome. Last evaluated: 2025-01-04. Review status: criteria provided, single submitter. Criteria: Ambry Variant Classification Scheme 2023. Collection method: clinical testing. Allele origin: germline.

Myriad Genetics, Inc.
Classification: Benign for Lung cancer. Last evaluated: 2024-10-16. Review status: criteria provided, single submitter. Criteria: Myriad Autosomal Dominant, Autosomal Recessive and X-Linked Classification Criteria (2023). Collection method: clinical testing. Allele origin: unknown.
Comment: This variant is considered benign. This variant is a silent/synonymous amino acid change and it is not expected to impact splicing.

NM_005228.5(EGFR):c.2178G>A (p.Val726=)

Gene: EGFR (epidermal growth factor receptor; plus strand). Cytogenetic location: 7p11.2.
Variant type: single nucleotide variant.
Coding change: c.2178G>A on transcript NM_005228.5 (MANE Select); coding-DNA position 2178, G replaced by A.
Protein change: p.Val726=; no amino-acid change (valine 726 retained).
Molecular consequence: synonymous variant.
Genome position (GRCh38, 1-based): chr7:55,174,037, G>A. VCF-style: chr7-55174037-G-A. GRCh37 (hg19) VCF-style: chr7-55241730-G-A.
Other names: c.2043G>A, p.Val681= (NM_001346897.2, NM_001346899.2); c.2178G>A, p.Val726= (NM_001346898.2); c.2019G>A, p.Val673= (NM_001346900.2); c.1377G>A, p.Val459= (NM_001346941.2).
Identifiers: ClinVar variation 2181523 (VCV002181523.6), dbSNP rs777735216, ClinGen allele CA4265990.